The following is an entry in ClinVar:

NC_000007.14:g.156796024C>T

Genes: LMBR1 (limb development membrane protein 1; minus strand), SHH (sonic hedgehog signaling molecule; minus strand). Cytogenetic location: 7q36.3.
Variant type: single nucleotide variant.
Molecular consequence: intron variant (on NM_022458.4).
Genome position: GRCh38 VCF-style: chr7-156796024-C-T. GRCh37 (hg19) VCF-style: chr7-156588718-C-T.
Other names: c.360+365G>A (NM_001363412.2); c.144+365G>A (NM_001350954.2); c.423+365G>A (NM_001363410.2, NM_022458.4, NM_001363409.2 and 1 more transcripts); c.-112+365G>A (NM_001350958.2, NM_001350956.2, NM_001350955.2 and 1 more transcripts); c.54+365G>A (NM_001350957.2, NM_001363411.2).
Identifiers: ClinVar variation 2869099 (VCV002869099.3), dbSNP rs186062458, ClinGen allele CA169823960.

ClinVar aggregate classification (germline): Uncertain significance (1 of 4 stars; one submission).

Conditions:
Holoprosencephaly 3 (HPE3). Identifiers: Orphanet 2162, MedGen C1840529, MONDO:0007733, OMIM 142945.

Allele frequency attached by ClinVar (database versions not stated): TOPMed 0.00004; gnomAD 0.00008; 1000 Genomes Project 30x 0.00016; 1000 Genomes Project 0.00020.
gnomAD v4.1: 13 of 152,128 alleles (0.0085%); highest among the groups gnomAD compares: African/African-American, 0.019%; no homozygotes.

Submission:

Labcorp Genetics (formerly Invitae), Labcorp
Classification: Uncertain significance for Holoprosencephaly 3. Last evaluated: 2022-08-02. Review status: criteria provided, single submitter. Criteria: Invitae Variant Classification Sherloc (09022015). Collection method: clinical testing. Allele origin: germline.
Comment: This variant occurs in a non-coding region of the SHH gene. It does not change the encoded amino acid sequence of the SHH protein. This variant is present in population databases (rs186062458, gnomAD 0.01%). This variant has not been reported in the literature in individuals affected with SHH-related conditions. Experimental studies and prediction algorithms are not available or were not evaluated, and the effect of this variant on mRNA splicing is currently unknown. In summary, the available evidence is currently insufficient to determine the role of this variant in disease. Therefore, it has been classified as a Variant of Uncertain Significance.